The following is an entry in ClinVar:

ClinVar aggregate classification (germline): Benign. Review status: reviewed by expert panel (3 of 4 stars). 12 submissions from 12 submitters: Benign (1). 11 of the submissions do not count toward it. Last evaluated 2015-08-10.

Conditions:
Hereditary cancer-predisposing syndrome. Also called: Hereditary Cancer Syndrome; Hereditary neoplastic syndrome; Neoplastic Syndromes, Hereditary; Tumor predisposition. Identifiers: Orphanet 140162, MedGen C0027672, MeSH D009386, MONDO:0015356.
Hereditary breast ovarian cancer syndrome. Also called: BRCA1- and BRCA2-Associated Hereditary Breast and Ovarian Cancer; Hereditary breast and ovarian cancer syndrome; Hereditary breast and ovarian cancer syndrome (HBOC); Breast and ovarian cancer; Hereditary breast and/or ovarian cancer syndrome; Hereditary breast and ovarian cancer. Identifiers: Orphanet 145, MedGen C0677776, MeSH D061325, MONDO:0003582. Disease mechanism: loss of function.
Breast-ovarian cancer, familial, susceptibility to, 1 (BROVCA1). Also called: BRCA1 Hereditary Breast and Ovarian Cancer; OVARIAN CANCER, SUSCEPTIBILITY TO. Identifiers: Orphanet 145, MedGen C2676676, MONDO:0011450, OMIM 604370. Disease mechanism: loss of function.

Allele frequency attached by ClinVar (database versions not stated): ExAC 0.00001; TOPMed 0.00001; gnomAD exomes 0.00001; gnomAD 0.00001.

Submissions (12):

Evidence-based Network for the Interpretation of Germline Mutant Alleles (ENIGMA)
Classification: Benign for Breast-ovarian cancer, familial 1. Last evaluated: 2015-08-10. Review status: reviewed by expert panel. Criteria: ENIGMA BRCA1/2 Classification Criteria (2015). Collection method: curation. Allele origin: germline.
Comment: IARC class based on posterior probability from multifactorial likelihood analysis, thresholds for class as per Plon et al. 2008 (PMID: 18951446). Class 1 based on posterior probability = 0.000196

Labcorp Genetics (formerly Invitae), Labcorp
Classification: Likely benign for Hereditary breast ovarian cancer syndrome. Last evaluated: 2026-01-27. Review status: criteria provided, single submitter. Criteria: Invitae Variant Classification Sherloc (09022015). Collection method: clinical testing. Allele origin: germline. Not counted in ClinVar's aggregate classification.

Quest Diagnostics Nichols Institute San Juan Capistrano
Classification: Likely benign. Last evaluated: 2025-10-01. Review status: criteria provided, single submitter. Criteria: Quest Diagnostics criteria. Collection method: clinical testing. Allele origin: unknown. Not counted in ClinVar's aggregate classification.

Institute for Biomarker Research, Medical Diagnostic Laboratories, L.L.C.
Classification: Likely benign for Hereditary breast ovarian cancer syndrome. Last evaluated: 2025-06-09. Review status: criteria provided, single submitter. Criteria: ACMG Guidelines, 2015. Collection method: clinical testing. Allele origin: germline. Not counted in ClinVar's aggregate classification.
Comment: The missense variant NM_007294.4(BRCA1):c.4081A>C (p.Met1361Leu) has been reported to ClinVar as Benign with a status of (3 stars) reviewed by expert panel (Variation ID 55099 as of 2025-05-01). There is a small physicochemical difference between methionine and leucine, which is not likely to impact secondary protein structure as these residues share similar properties.The p.Met1361Leu missense variant is predicted to be tolerated by both SIFT or PolyPhen2. The nucleotide c.4081 in BRCA1 is not conserved according to a GERP++ and PhyloP analysis of 100 vertebrates. For these reasons, this variant has been classified as Likely Benign

Blueprint Genetics
Classification: Likely benign. Last evaluated: 2024-08-28. Review status: criteria provided, single submitter. Criteria: ACMG Guidelines, 2015. Collection method: clinical testing. Allele origin: germline. Not counted in ClinVar's aggregate classification.

Women's Health and Genetics/Laboratory Corporation of America, LabCorp
Classification: Likely benign. Last evaluated: 2022-02-14. Review status: criteria provided, single submitter. Criteria: LabCorp Variant Classification Summary - May 2015. Collection method: clinical testing. Allele origin: germline. Not counted in ClinVar's aggregate classification.
Comment: Variant summary: BRCA1 c.4081A>C (p.Met1361Leu) results in a conservative amino acid change in the encoded protein sequence. Five of five in-silico tools predict a benign effect of the variant on protein function. The variant allele was found at a frequency of 8e-06 in 250858 control chromosomes (gnomAD). The available data on variant occurrences in the general population are insufficient to allow any conclusion about variant significance. c.4081A>C has been reported in the literature in an individual affected with breast cancer (Lee_2008). This report does not provide unequivocal conclusions about association of the variant with Hereditary Breast and Ovarian Cancer. Multiple studies using multifactorial likelihood models have classified this variant as having a neutral impact (Easton_2007, Lindor_2012, Fernandes_2019, Parsons_2019) (IARC class I). To our knowledge, no other experimental evidence demonstrating an impact on protein function has been reported. Six other submitters, including an expert panel (ENIGMA), have provided clinical-significance assessments for this variant in ClinVar after 2014 without evidence for independent evaluation, and classified the variant as likely benign (n=4) / benign (n=2; including ENIGMA). Based on the evidence outlined above, the variant was classified as likely benign.

Sema4
Classification: Likely benign for Hereditary cancer-predisposing syndrome. Last evaluated: 2020-08-21. Review status: criteria provided, single submitter. Criteria: Sema4 Curation Guidelines. Collection method: curation. Allele origin: germline. Not counted in ClinVar's aggregate classification.

GeneDx
Classification: Likely benign. Last evaluated: 2018-06-26. Review status: criteria provided, single submitter. Criteria: GeneDx Variant Classification Process June 2021. Collection method: clinical testing. Allele origin: germline. Affected: yes. Not counted in ClinVar's aggregate classification.
Comment: This variant is associated with the following publications: (PMID: 21990134, 18951461, 22753008, 15235020, 17924331, 15829246)

Color Diagnostics, LLC DBA Color Health
Classification: Likely benign for Hereditary cancer-predisposing syndrome. Last evaluated: 2017-07-19. Review status: criteria provided, single submitter. Criteria: ACMG Guidelines, 2015. Collection method: clinical testing. Allele origin: germline. Not counted in ClinVar's aggregate classification.

Ambry Genetics
Classification: Benign for Hereditary cancer-predisposing syndrome. Last evaluated: 2014-11-18. Review status: criteria provided, single submitter. Criteria: Ambry Variant Classification Scheme 2023. Collection method: clinical testing. Allele origin: germline. Not counted in ClinVar's aggregate classification.

Counsyl
Classification: Benign for Breast-ovarian cancer, familial, susceptibility to, 1. Last evaluated: 2015-12-08. Review status: no assertion criteria provided. Collection method: clinical testing. Allele origin: unknown. Not counted in ClinVar's aggregate classification.

Breast Cancer Information Core (BIC) (BRCA1)
Classification: Uncertain significance for Breast-ovarian cancer, familial 1. Last evaluated: 2002-05-29. Review status: no assertion criteria provided. Collection method: clinical testing. Allele origin: germline. Affected: yes. Observed: 4 variant alleles. Not counted in ClinVar's aggregate classification.

Literature cited by the submitters: PubMed 21990134 (cited by 4 submitters); PubMed 15235020 (cited by Quest Diagnostics Nichols Institute San Juan Capistrano and Women's Health and Genetics/Laboratory Corporation of America, LabCorp); PubMed 15385441 (cited by Quest Diagnostics Nichols Institute San Juan Capistrano and Counsyl); PubMed 16267036 (cited by 3 submitters); PubMed 17924331 (cited by 3 submitters); PubMed 18284688 (cited by 3 submitters); PubMed 22753008 (cited by Quest Diagnostics Nichols Institute San Juan Capistrano and Women's Health and Genetics/Laboratory Corporation of America, LabCorp); PubMed 34326862 (cited by Quest Diagnostics Nichols Institute San Juan Capistrano); PubMed 37731132 (cited by Quest Diagnostics Nichols Institute San Juan Capistrano); PubMed 35979650 (cited by Quest Diagnostics Nichols Institute San Juan Capistrano); PubMed 31911673 (cited by Quest Diagnostics Nichols Institute San Juan Capistrano); PubMed 30765603 (cited by Women's Health and Genetics/Laboratory Corporation of America, LabCorp); PubMed 31131967 (cited by Women's Health and Genetics/Laboratory Corporation of America, LabCorp).

NM_007294.4(BRCA1):c.4081A>C (p.Met1361Leu)

Genes: BRCA1 (BRCA1 DNA repair associated; minus strand), LOC126862571 (BRD4-independent group 4 enhancer GRCh37_chr17:41243136-41244335; plus strand). Cytogenetic location: 17q21.31.
Variant type: single nucleotide variant.
Coding change: c.4081A>C on transcript NM_007294.4 (MANE Select); coding-DNA position 4081, A replaced by C.
Protein change: p.Met1361Leu; replaces methionine 1361 with leucine.
Molecular consequence: missense variant. On other transcripts: intron variant (135).
Genome position (GRCh38, 1-based): chr17:43,091,450, T>G on the plus strand (A>C on the coding strand, the complement: BRCA1 is on the minus strand). VCF-style: chr17-43091450-T-G. GRCh37 (hg19) VCF-style: chr17-41243467-T-G.
Other names: 4200A>C; c.3955A>C, p.Met1319Leu (NM_001407686.1, NM_001407687.1, NM_001407688.1 and 11 more transcripts); c.3940A>C, p.Met1314Leu (NM_001407692.1, NM_001407694.1, NM_001407695.1 and 29 more transcripts); c.3937A>C, p.Met1313Leu (NM_001407740.1, NM_001407741.1, NM_001407742.1 and 20 more transcripts); c.3868A>C, p.Met1290Leu (NM_001407853.1, NM_001407894.1, NM_001407895.1 and 9 more transcripts); c.4081A>C, p.Met1361Leu (NM_001407854.1, NM_001407858.1, NM_001407859.1 and 30 more transcripts); c.4078A>C, p.Met1360Leu (NM_001407860.1, NM_001407861.1, NM_001407590.1 and 22 more transcripts); c.3880A>C, p.Met1294Leu (NM_001407862.1); and 42 more; short protein forms M1361L, M1314L, M1065L, M1233L, M1293L, M1335L, M1234L, M1249L.
Identifiers: ClinVar variation 55099 (VCV000055099.29), dbSNP rs80357218, ClinGen allele CA002607.